The following is an entry in ClinVar:

ClinVar aggregate classification (germline): Uncertain significance (1 of 4 stars; one submission).

Submission:

Women's Health and Genetics/Laboratory Corporation of America, LabCorp
Classification: Uncertain significance. Last evaluated: 2023-12-07. Review status: criteria provided, single submitter. Criteria: LabCorp Variant Classification Summary - May 2015. Collection method: clinical testing. Allele origin: germline.
Comment: Variant summary: SOX6 c.95G>T (p.Gly32Val) results in a non-conservative amino acid change in the encoded protein sequence. Three of five in-silico tools predict a damaging effect of the variant on protein function. The variant was absent in 250232 control chromosomes (gnomAD). The available data on variant occurrences in the general population are insufficient to allow any conclusion about variant significance. To our knowledge, no occurrence of c.95G>T in individuals affected with Tolchin-Le Caignec Syndrome and no experimental evidence demonstrating its impact on protein function have been reported. No submitters have cited clinical-significance assessments for this variant to ClinVar after 2014. Based on the evidence outlined above, the variant was classified as uncertain significance.

NM_001367873.1(SOX6):c.95G>T (p.Gly32Val)

Gene: SOX6 (SRY-box transcription factor 6; minus strand). Cytogenetic location: 11p15.2.
Variant type: single nucleotide variant.
Coding change: c.95G>T on transcript NM_001367873.1 (MANE Select); coding-DNA position 95, G replaced by T.
Protein change: p.Gly32Val; replaces glycine 32 with valine.
Molecular consequence: missense variant.
Genome position (GRCh38, 1-based): chr11:16,341,154, C>A on the plus strand (G>T on the coding strand, the complement: SOX6 is on the minus strand). VCF-style: chr11-16341154-C-A. GRCh37 (hg19) VCF-style: chr11-16362700-C-A.
Other names: c.95G>T, p.Gly32Val (NM_001145811.2, NM_001145819.2, NM_001367872.1 and 2 more transcripts); short protein forms G32V.
Identifiers: ClinVar variation 2691517 (VCV002691517.1), dbSNP rs2494225891, ClinGen allele CA379876186.